The following is an entry in ClinVar:

ClinVar aggregate classification (germline): Pathogenic/Likely pathogenic. Review status: criteria provided, multiple submitters, no conflicts (2 of 4 stars). 3 submissions from 3 submitters: Pathogenic (1); Likely pathogenic (2). Last evaluated 2025-08-21.

Conditions:
Kabuki syndrome. Also called: NIIKAWA-KUROKI SYNDROME; Kabuki make-up syndrome. Identifiers: Orphanet 2322, MedGen C0796004, MONDO:0016512.
KMT2D-related disorder. Also called: KMT2D-Related Disorders.

Submissions (3):

Labcorp Genetics (formerly Invitae), Labcorp
Classification: Pathogenic for Kabuki syndrome. Last evaluated: 2025-08-21. Review status: criteria provided, single submitter. Criteria: Invitae Variant Classification Sherloc (09022015). Collection method: clinical testing. Allele origin: germline.
Comment: This sequence change replaces tyrosine, which is neutral and polar, with cysteine, which is neutral and slightly polar, at codon 5210 of the KMT2D protein (p.Tyr5210Cys). This variant is not present in population databases (gnomAD no frequency). This missense change has been observed in individual(s) with Kabuki syndrome (PMID: 21280141, 29846842, 30459467, 32803813, 38676773). In at least one individual the variant was observed to be de novo. ClinVar contains an entry for this variant (Variation ID: 864037). Invitae Evidence Modeling of protein sequence and biophysical properties (such as structural, functional, and spatial information, amino acid conservation, physicochemical variation, residue mobility, and thermodynamic stability) indicates that this missense variant is expected to disrupt KMT2D protein function with a positive predictive value of 95%. For these reasons, this variant has been classified as Pathogenic.

GeneDx
Classification: Likely pathogenic. Last evaluated: 2023-06-08. Review status: criteria provided, single submitter. Criteria: GeneDx Variant Classification Process June 2021. Collection method: clinical testing. Allele origin: germline. Affected: yes.
Comment: In silico analysis supports that this missense variant has a deleterious effect on protein structure/function; Not observed at significant frequency in large population cohorts (gnomAD); This variant is associated with the following publications: (PMID: 21280141, 30459467, 29846842, 32803813)

Blueprint Genetics
Classification: Likely pathogenic for KMT2D-related disorders. Last evaluated: 2021-01-29. Review status: criteria provided, single submitter. Criteria: ACMG Guidelines, 2015. Collection method: clinical testing. Allele origin: germline. Affected: yes. Observed: 1 variant allele.

Literature cited by the submitters: PubMed 21280141 (cited by Labcorp Genetics (formerly Invitae), Labcorp); PubMed 29846842 (cited by Labcorp Genetics (formerly Invitae), Labcorp); PubMed 30459467 (cited by Labcorp Genetics (formerly Invitae), Labcorp); PubMed 32803813 (cited by Labcorp Genetics (formerly Invitae), Labcorp); PubMed 38676773 (cited by Labcorp Genetics (formerly Invitae), Labcorp).

NM_003482.4(KMT2D):c.15629A>G (p.Tyr5210Cys)

Gene: KMT2D (lysine methyltransferase 2D; minus strand). Cytogenetic location: 12q13.12.
Variant type: single nucleotide variant.
Coding change: c.15629A>G on transcript NM_003482.4 (MANE Select); coding-DNA position 15629, A replaced by G.
Protein change: p.Tyr5210Cys; replaces tyrosine 5210 with cysteine.
Molecular consequence: missense variant.
Genome position (GRCh38, 1-based): chr12:49,026,337, T>C on the plus strand (A>G on the coding strand, the complement: KMT2D is on the minus strand). VCF-style: chr12-49026337-T-C. GRCh37 (hg19) VCF-style: chr12-49420120-T-C.
Other names: short protein forms Y5210C.
Identifiers: ClinVar variation 864037 (VCV000864037.11), dbSNP rs1942587772, ClinGen allele CA384686251.